The following is an entry in ClinVar:

ClinVar aggregate classification (germline): Benign (1 of 4 stars; one submission).

Conditions:
Congenital fibrosis of extraocular muscles type 1. Also called: CFEOM3B; BLEPHAROPTOSIS WITH ABSENT EYE MOVEMENTS; OPHTHALMOPLEGIA, CONGENITAL; FEOM1 LOCUS. Identifiers: MedGen C1851102, MONDO:0021083, OMIM 135700.

Allele frequency attached by ClinVar (database versions not stated): gnomAD exomes 0.00274; gnomAD 0.06450 and 0.06929; TOPMed 0.07252; 1000 Genomes Project 30x 0.07605; 1000 Genomes Project 0.07109.
gnomAD v4.1: 9,774 of 169,238 alleles (5.8%); highest among the groups gnomAD compares: African/African-American, 22%; 1,038 homozygotes.

Submission:

Illumina Laboratory Services, Illumina
Classification: Benign for Congenital fibrosis of extraocular muscles type 1. Last evaluated: 2018-01-13. Review status: criteria provided, single submitter. Criteria: ICSL Variant Classification Criteria 13 December 2019. Collection method: clinical testing. Allele origin: germline.
Comment: This variant was observed in the ICSL laboratory as part of a predisposition screen in an ostensibly healthy population. It had not been previously curated by ICSL or reported in the Human Gene Mutation Database (HGMD: prior to June 1st, 2018), and was therefore a candidate for classification through an automated scoring system. Utilizing variant allele frequency, disease prevalence and penetrance estimates, and inheritance mode, an automated score was calculated to assess if this variant is too frequent to cause the disease. Based on the score and internal cut-off values, a variant classified as benign is not then subjected to further curation. The score for this variant resulted in a classification of benign for this disease.

NM_001173464.2(KIF21A):c.*418A>G

Gene: KIF21A (kinesin family member 21A; minus strand). Cytogenetic location: 12q12.
Variant type: single nucleotide variant.
Coding change: c.*418A>G on transcript NM_001173464.2 (MANE Select); 418 bases downstream of the stop codon, A replaced by G.
Molecular consequence: 3 prime UTR variant.
Genome position (GRCh38, 1-based): chr12:39,294,006, T>C on the plus strand (A>G on the coding strand, the complement: KIF21A is on the minus strand). VCF-style: chr12-39294006-T-C. GRCh37 (hg19) VCF-style: chr12-39687808-T-C.
Other names: c.*418A>G (NM_001173463.2, NM_001173465.2, NM_017641.4).
Identifiers: ClinVar variation 308540 (VCV000308540.5), dbSNP rs77242017, ClinGen allele CA10632651.